The following is an entry in ClinVar:

NM_022173.4(TIA1):c.597G>C (p.Gln199His)

Gene: TIA1 (TIA1 cytotoxic granule associated RNA binding protein; minus strand). Cytogenetic location: 2p13.3.
Variant type: single nucleotide variant.
Coding change: c.597G>C on transcript NM_022173.4 (MANE Select); coding-DNA position 597, G replaced by C.
Protein change: p.Gln199His; replaces glutamine 199 with histidine.
Molecular consequence: missense variant. On other transcripts: non-coding transcript variant (17).
Genome position (GRCh38, 1-based): chr2:70,216,486, C>G on the plus strand (G>C on the coding strand, the complement: TIA1 is on the minus strand). VCF-style: chr2-70216486-C-G. GRCh37 (hg19) VCF-style: chr2-70443618-C-G.
Other names: c.597G>C, p.Gln199His (NM_001351508.2, NM_001351516.2); c.570G>C, p.Gln190His (NM_001351509.2); c.564G>C, p.Gln188His (NM_001351510.2, NM_022037.4); c.486G>C, p.Gln162His (NM_001351511.1); c.459G>C, p.Gln153His (NM_001351512.1); c.453G>C, p.Gln151His (NM_001351513.1); c.369G>C, p.Gln123His (NM_001351514.2); c.294G>C, p.Gln98His (NM_001351515.2); and 1 more; short protein forms Q123H, Q151H, Q153H, Q162H, Q188H, Q190H, Q199H, Q59H.
Identifiers: ClinVar variation 1059725 (VCV001059725.9), dbSNP rs202123982, ClinGen allele CA347152600.

ClinVar aggregate classification (germline): Uncertain significance (1 of 4 stars; one submission).

Conditions:
Welander distal myopathy (WDM). Also called: Gower's muscular dystrophy; MUSCULAR DYSTROPHY, DISTAL, LATE-ONSET, AUTOSOMAL DOMINANT; Welander distal myopathy, Swedish type; Distal myopathy, Swedish type. Identifiers: Orphanet 603, MedGen C0221054, MONDO:0011466, OMIM 604454.

Allele frequency attached by ClinVar (database versions not stated): gnomAD exomes below 0.00001.
gnomAD v4.1: 1 of 1,613,582 alleles (0.000062%); highest among the groups gnomAD compares: African/African-American, 0.0013%; no homozygotes.

Submission:

Labcorp Genetics (formerly Invitae), Labcorp
Classification: Uncertain significance for Welander distal myopathy. Last evaluated: 2022-07-06. Review status: criteria provided, single submitter. Criteria: Invitae Variant Classification Sherloc (09022015). Collection method: clinical testing. Allele origin: germline.
Comment: In summary, the available evidence is currently insufficient to determine the role of this variant in disease. Therefore, it has been classified as a Variant of Uncertain Significance. Algorithms developed to predict the effect of missense changes on protein structure and function (SIFT, PolyPhen-2, Align-GVGD) all suggest that this variant is likely to be tolerated. ClinVar contains an entry for this variant (Variation ID: 1059725). This variant has not been reported in the literature in individuals affected with TIA1-related conditions. This variant is not present in population databases (gnomAD no frequency). This sequence change replaces glutamine, which is neutral and polar, with histidine, which is basic and polar, at codon 199 of the TIA1 protein (p.Gln199His).